The following is an entry in ClinVar:

NM_000285.4(PEPD):c.1356GGA[1] (p.Glu453del)

Gene: PEPD (peptidase D; minus strand). Cytogenetic location: 19q13.11.
Variant type: Microsatellite.
Coding change: c.1356GGA[1] on transcript NM_000285.4 (MANE Select); one copy of the 3-base unit GGA starting at c.1356; the reference has two copies in a row; one copy, 3 bases deleted.
Protein change: p.Glu453del; deletes glutamic acid 453.
Molecular consequence: inframe deletion.
Genome position (GRCh38, 1-based): chr19:33,387,465-33,387,467, TCC deleted on the plus strand (GGA on the coding strand, the reverse complement: PEPD is on the minus strand); deleting any 3 consecutive bases within chr19:33,387,465-33,387,472 gives the same sequence; the position shown is the placement nearest the transcript's 3' end. VCF-style (leftmost placement, unchanged base first): chr19-33387464-GTCC-G. GRCh37 (hg19) VCF-style: chr19-33878370-GTCC-G.
Other names: PEPD, 3-BP DEL, GLU452DEL; E452del; c.1233GGA[1], p.Glu412del (NM_001166056.2); c.1164GGA[1], p.Glu389del (NM_001166057.2); short protein forms E453del, E412del, E389del.
Identifiers: ClinVar variation 214 (VCV000000214.6), dbSNP rs757386104, ClinGen allele CA214916.
Genomic context (GRCh38, chr19:33,387,464, plus strand): 5'-CTCTTCCACAGTGCGGGGCACGCAGGTCAGCAGCTCTATGCCGCTGTCAGTCACCACGAC[GTCC>G]TCCTCGATGCGGACCTGGGTCAAGCCGACAGACACACATTATCATAGAGCAGCCTCATGT-3'

ClinVar aggregate classification (germline): Uncertain significance. Review status: criteria provided, single submitter (1 of 4 stars). 2 submissions from 2 submitters: Uncertain significance (1). 1 of the submissions does not count toward it. Last evaluated 2022-02-10.

Conditions:
Prolidase deficiency. Identifiers: Orphanet 742, MedGen C0268532, MONDO:0008221, OMIM 170100.

Submissions (2):

Labcorp Genetics (formerly Invitae), Labcorp
Classification: Uncertain significance. Last evaluated: 2022-02-10. Review status: criteria provided, single submitter. Criteria: Invitae Variant Classification Sherloc (09022015). Collection method: clinical testing. Allele origin: germline.
Comment: This variant, c.1359_1361del, results in the deletion of 1 amino acid(s) of the PEPD protein (p.Glu453del), but otherwise preserves the integrity of the reading frame. This variant is present in population databases (rs757386104, gnomAD 0.008%). This variant has been observed in individual(s) with clinical features of prolidase deficiency (PMID: 8198124). ClinVar contains an entry for this variant (Variation ID: 214). Algorithms developed to predict the effect of variants on protein structure and function are not available or were not evaluated for this variant. Experimental studies have shown that this variant affects PEPD function (PMID: 8900231). In summary, the available evidence is currently insufficient to determine the role of this variant in disease. Therefore, it has been classified as a Variant of Uncertain Significance.

OMIM
Classification: Pathogenic for PROLIDASE DEFICIENCY. Last evaluated: 1996-11-01. Review status: no assertion criteria provided. Collection method: literature only. Allele origin: germline. Not counted in ClinVar's aggregate classification.

Literature cited by the submitters: PubMed 8198124 (cited by Labcorp Genetics (formerly Invitae), Labcorp and OMIM); PubMed 8900231 (cited by Labcorp Genetics (formerly Invitae), Labcorp and OMIM).